The following is an entry in ClinVar:

NM_001429.4(EP300):c.2318_2319delinsCC (p.Gln773Pro)

Gene: EP300 (EP300 lysine acetyltransferase; plus strand). Cytogenetic location: 22q13.2.
Variant type: Indel.
Coding change: c.2318_2319delinsCC on transcript NM_001429.4 (MANE Select); coding-DNA positions 2318 to 2319, AG replaced by CC.
Protein change: p.Gln773Pro; replaces glutamine 773 with proline.
Molecular consequence: missense variant.
Genome position (GRCh38, 1-based): chr22:41,149,114-41,149,115, AG replaced by CC. VCF-style: chr22-41149114-AG-CC. GRCh37 (hg19) VCF-style: chr22-41545118-AG-CC.
Other names: c.2240_2241delinsCC, p.Gln747Pro (NM_001362843.2); short protein forms Q747P, Q773P.
Identifiers: ClinVar variation 5001514 (VCV005001514.1).
Genomic context (GRCh38, chr22:41,149,114, plus strand): 5'-CTCGTATGCAACAGCCTTCCAACCAGGGCCAGTTCCTTCCTCAGACTCAGTTCCCATCAC[AG>CC]GGAATGAATGTAACAAATATCCCTTTGGCTCCGTCCAGCGGTCAAGCTCCAGTGTCTCAA-3'
Protein context (NP_001420.2, residues 763-783): QFLPQTQFPS[Gln773Pro]GMNVTNIPLA

ClinVar aggregate classification (germline): Uncertain significance (1 of 4 stars; one submission).

Conditions:
EP300-related disorder. Also called: EP300-related condition; EP300-related disorders.

Submission:

PreventionGenetics, part of Exact Sciences
Classification: Uncertain significance for EP300-related condition. Last evaluated: 2025-05-08. Review status: criteria provided, single submitter. Criteria: ACMG Guidelines, 2015. Collection method: clinical testing. Allele origin: germline.
Comment: The EP300 c.2318_2319delinsCC variant is predicted to result in an in-frame deletion and insertion. To our knowledge, this variant has not been reported in the literature or in a large population database (gnomAD), indicating this variant is rare. At this time, the clinical significance of this variant is uncertain due to the absence of conclusive functional and genetic evidence.